The following is an entry in ClinVar:

ClinVar aggregate classification (germline): Uncertain significance. Review status: criteria provided, multiple submitters, no conflicts (2 of 4 stars). 3 submissions from 3 submitters: Uncertain significance (3). Last evaluated 2026-05-14.

Conditions:
3-methylglutaconic aciduria, type VIIB (MGCA7B). Also called: 3-methylglutaconic aciduria, type VII, with cataracts, neurologic involvement and neutropenia; 3-methylglutaconic aciduria with cataracts, neurologic involvement and neutropenia; CLPB Deficiency. Identifiers: Orphanet 445038, MedGen C5676893, MONDO:0014561, OMIM 616271.
Neutropenia, severe congenital, 9, autosomal dominant. Identifiers: MedGen C5676954, MONDO:0030726, OMIM 619813.
3-methylglutaconic aciduria, type VIIA. Also called: 3-METHYLGLUTACONIC ACIDURIA WITH NEUROLOGIC INVOLVEMENT AND NEUTROPENIA, AUTOSOMAL DOMINANT. Identifiers: MedGen C5676967, MONDO:0859237, OMIM 619835.

gnomAD v4.1: 3 of 1,608,640 alleles (0.00019%); highest among the groups gnomAD compares: Non-Finnish European, 0.000085%; no homozygotes.

Submissions (3):

Division of Clinical Immunology and Allergy, Necmettin Erbakan University, Faculty of Medicine
Classification: Uncertain significance for 3-methylglutaconic aciduria, type VIIB; Neutropenia, severe congenital, 9, autosomal dominant; 3-methylglutaconic aciduria, type VIIA. Last evaluated: 2026-05-14. Review status: criteria provided, single submitter. Criteria: ACMG Guidelines, 2015. Collection method: clinical testing. Allele origin: germline. Affected: no. Observed: 1 variant allele.

Labcorp Genetics (formerly Invitae), Labcorp
Classification: Uncertain significance for 3-methylglutaconic aciduria, type VIIB. Last evaluated: 2024-10-21. Review status: criteria provided, single submitter. Criteria: Invitae Variant Classification Sherloc (09022015). Collection method: clinical testing. Allele origin: germline.
Comment: This sequence change replaces valine, which is neutral and non-polar, with alanine, which is neutral and non-polar, at codon 626 of the CLPB protein (p.Val626Ala). This variant is not present in population databases (gnomAD no frequency). This variant has not been reported in the literature in individuals affected with CLPB-related conditions. An algorithm developed to predict the effect of missense changes on protein structure and function (PolyPhen-2) suggests that this variant is likely to be disruptive. In summary, the available evidence is currently insufficient to determine the role of this variant in disease. Therefore, it has been classified as a Variant of Uncertain Significance.

Blueprint Genetics
Classification: Uncertain significance. Last evaluated: 2021-06-15. Review status: criteria provided, single submitter. Criteria: ACMG Guidelines, 2015. Collection method: clinical testing. Allele origin: germline.

NM_001258392.3(CLPB):c.1787T>C (p.Val596Ala)

Gene: CLPB (ClpB family mitochondrial disaggregase; minus strand). Cytogenetic location: 11q13.4.
Variant type: single nucleotide variant.
Coding change: c.1787T>C on transcript NM_001258392.3 (MANE Select); coding-DNA position 1787, T replaced by C.
Protein change: p.Val596Ala; replaces valine 596 with alanine.
Molecular consequence: missense variant.
Genome position (GRCh38, 1-based): chr11:72,293,614, A>G on the plus strand (T>C on the coding strand, the complement: CLPB is on the minus strand). VCF-style: chr11-72293614-A-G. GRCh37 (hg19) VCF-style: chr11-72004658-A-G.
Other names: c.1700T>C, p.Val567Ala (NM_001258393.3); c.1742T>C, p.Val581Ala (NM_001258394.3); c.1877T>C, p.Val626Ala (NM_030813.6); short protein forms V581A, V596A, V567A, V626A.
Identifiers: ClinVar variation 3669248 (VCV003669248.4).